The following is an entry in ClinVar:

ClinVar aggregate classification (germline): Uncertain significance (1 of 4 stars; one submission).

Conditions:
Hereditary cancer-predisposing syndrome. Also called: Neoplastic Syndromes, Hereditary; Hereditary Cancer Syndrome; Hereditary neoplastic syndrome; Tumor predisposition. Identifiers: Orphanet 140162, MedGen C0027672, MeSH D009386, MONDO:0015356.

Allele frequency attached by ClinVar (database versions not stated): gnomAD exomes below 0.00001.
gnomAD v4.1: 1 of 1,613,868 alleles (0.000062%); highest among the groups gnomAD compares: Non-Finnish European, 0.000085%; no homozygotes.

Submission:

Ambry Genetics
Classification: Uncertain significance for Hereditary cancer-predisposing syndrome. Last evaluated: 2025-09-03. Review status: criteria provided, single submitter. Criteria: Ambry Variant Classification Scheme 2023. Collection method: clinical testing. Allele origin: germline.
Comment: The p.G449R variant (also known as c.1345G>A), located in coding exon 8 of the MEN1 gene, results from a G to A substitution at nucleotide position 1345. The glycine at codon 449 is replaced by arginine, an amino acid with dissimilar properties. This amino acid position is conserved. In addition, the in silico prediction for this alteration is inconclusive. Since supporting evidence is limited at this time, the clinical significance of this alteration remains unclear.

NM_001370259.2(MEN1):c.1345G>A (p.Gly449Arg)

Gene: MEN1 (menin 1; minus strand). Cytogenetic location: 11q13.1.
Variant type: single nucleotide variant.
Coding change: c.1345G>A on transcript NM_001370259.2 (MANE Select); coding-DNA position 1345, G replaced by A.
Protein change: p.Gly449Arg; replaces glycine 449 with arginine.
Molecular consequence: missense variant. On other transcripts: non-coding transcript variant (4), intron variant (1).
Genome position (GRCh38, 1-based): chr11:64,805,039, C>T on the plus strand (G>A on the coding strand, the complement: MEN1 is on the minus strand). VCF-style: chr11-64805039-C-T. GRCh37 (hg19) VCF-style: chr11-64572511-C-T.
Other names: c.1360G>A, p.Gly454Arg (NM_000244.4, NM_001407145.1, NM_130800.3 and 4 more transcripts); c.1471G>A, p.Gly491Arg (NM_001370251.2, NM_001407142.1, NM_001407143.1 and 1 more transcripts); c.1345G>A, p.Gly449Arg (NM_001370260.2, NM_001370261.2, NM_001407146.1 and 2 more transcripts); c.1240G>A, p.Gly414Arg (NM_001370262.2, NM_001370263.2, NM_001407148.1 and 1 more transcripts); c.1486G>A, p.Gly496Arg (NM_001407150.1); c.1366G>A, p.Gly456Arg (NM_001407151.1); c.1186-223G>A (NM_001407152.1); short protein forms G456R, G491R, G449R, G454R, G414R, G496R.
Identifiers: ClinVar variation 2564989 (VCV002564989.3), dbSNP rs2497140577, ClinGen allele CA381180039.